The following is an entry in ClinVar:

NM_002691.4(POLD1):c.2537C>T (p.Ala846Val)

Gene: POLD1 (DNA polymerase delta 1, catalytic subunit; plus strand). Cytogenetic location: 19q13.33.
Variant type: single nucleotide variant.
Coding change: c.2537C>T on transcript NM_002691.4 (MANE Select); coding-DNA position 2537, C replaced by T.
Protein change: p.Ala846Val; replaces alanine 846 with valine.
Molecular consequence: missense variant. On other transcripts: non-coding transcript variant (1).
Genome position (GRCh38, 1-based): chr19:50,414,963, C>T. VCF-style: chr19-50414963-C-T. GRCh37 (hg19) VCF-style: chr19-50918220-C-T.
Other names: c.2537C>T, p.Ala846Val (NM_001256849.1); c.2615C>T, p.Ala872Val (NM_001308632.1); c.2537C>T (NM_002691.2); short protein forms A846V, A872V.
Identifiers: ClinVar variation 239297 (VCV000239297.11), dbSNP rs878854539, ClinGen allele CA10583845.
Genomic context (GRCh38, chr19:50,414,963, plus strand): 5'-GCAAGGGCCTGGAGGCCGTGCGCAGGGACAACTGCCCCCTCGTGGCCAACCTGGTCACTG[C>T]CTCACTGCGCCGCCTGCTCATCGACCGGTGTGTGGGGCCTCCTCCCTCAGACTCAGGGGG-3'
Protein context (NP_002682.2, residues 836-856): NCPLVANLVT[Ala846Val]SLRRLLIDRD

ClinVar aggregate classification (germline): Conflicting classifications of pathogenicity. Review status: criteria provided, conflicting classifications (1 of 4 stars). 2 submissions from 2 submitters: Uncertain significance (1); Likely benign (1). Last evaluated 2025-10-19.

Conditions:
Hereditary cancer-predisposing syndrome. Also called: Hereditary Cancer Syndrome; Neoplastic Syndromes, Hereditary; Hereditary neoplastic syndrome; Tumor predisposition. Identifiers: Orphanet 140162, MedGen C0027672, MeSH D009386, MONDO:0015356.
POLD1-related polyposis and colorectal cancer syndrome (CRCS10). Also called: COLORECTAL CANCER, SUSCEPTIBILITY TO, ON CHROMOSOME 19q; Colorectal cancer 10; Colorectal cancer, susceptibility to, 10. Identifiers: Orphanet 220460, MedGen C2675481, MONDO:0012953, OMIM 612591.

Allele frequency attached by ClinVar (database versions not stated): TOPMed below 0.00001.
gnomAD v4.1: 1 of 1,597,766 alleles (0.000063%); highest among the groups gnomAD compares: Non-Finnish European, 0.000085%; no homozygotes.

Submissions (2):

Labcorp Genetics (formerly Invitae), Labcorp
Classification: Uncertain significance for POLD1-related polyposis and colorectal cancer syndrome. Last evaluated: 2025-10-19. Review status: criteria provided, single submitter. Criteria: Invitae Variant Classification Sherloc (09022015). Collection method: clinical testing. Allele origin: germline.
Comment: This sequence change replaces alanine, which is neutral and non-polar, with valine, which is neutral and non-polar, at codon 846 of the POLD1 protein (p.Ala846Val). This variant is not present in population databases (gnomAD no frequency). This variant has not been reported in the literature in individuals affected with POLD1-related conditions. ClinVar contains an entry for this variant (Variation ID: 239297). Invitae Evidence Modeling of protein sequence and biophysical properties (such as structural, functional, and spatial information, amino acid conservation, physicochemical variation, residue mobility, and thermodynamic stability) indicates that this missense variant is not expected to disrupt POLD1 protein function with a negative predictive value of 80%. In summary, the available evidence is currently insufficient to determine the role of this variant in disease. Therefore, it has been classified as a Variant of Uncertain Significance.

Ambry Genetics
Classification: Likely benign for Hereditary cancer-predisposing syndrome. Last evaluated: 2025-04-09. Review status: criteria provided, single submitter. Criteria: Ambry Variant Classification Scheme 2023. Collection method: clinical testing. Allele origin: germline.